The following is an entry in ClinVar:

NM_020778.5(ALPK3):c.876G>T (p.Leu292Phe)

Gene: ALPK3 (alpha kinase 3; plus strand). Cytogenetic location: 15q25.3.
Variant type: single nucleotide variant.
Coding change: c.876G>T on transcript NM_020778.5 (MANE Select); coding-DNA position 876, G replaced by T.
Protein change: p.Leu292Phe; replaces leucine 292 with phenylalanine.
Molecular consequence: missense variant.
Genome position (GRCh38, 1-based): chr15:84,840,155, G>T. VCF-style: chr15-84840155-G-T. GRCh37 (hg19) VCF-style: chr15-85383386-G-T.
Other names: c.1482G>T (NM_020778.4); short protein forms L292F.
Identifiers: ClinVar variation 1393538 (VCV001393538.9), dbSNP rs1963643413, ClinGen allele CA393373692.

ClinVar aggregate classification (germline): Uncertain significance. Review status: criteria provided, multiple submitters, no conflicts (2 of 4 stars). 2 submissions from 2 submitters: Uncertain significance (2). Last evaluated 2025-11-15.

Conditions:
Cardiovascular phenotype. Identifiers: MedGen CN230736.

Allele frequency attached by ClinVar (database versions not stated): gnomAD exomes below 0.00001.
gnomAD v4.1: 3 of 1,613,950 alleles (0.00019%); highest among the groups gnomAD compares: African/African-American, 0.0027%; no homozygotes.

Submissions (2):

Ambry Genetics
Classification: Uncertain significance for Cardiovascular phenotype. Last evaluated: 2025-11-15. Review status: criteria provided, single submitter. Criteria: Ambry Variant Classification Scheme 2023. Collection method: clinical testing. Allele origin: germline.
Comment: The p.L494F variant (also known as c.1482G>T), located in coding exon 5 of the ALPK3 gene, results from a G to T substitution at nucleotide position 1482. The leucine at codon 494 is replaced by phenylalanine, an amino acid with highly similar properties. This amino acid position is conserved. In addition, this alteration is predicted to be tolerated by in silico analysis. Based on the available evidence, the clinical significance of this variant remains unclear.

Labcorp Genetics (formerly Invitae), Labcorp
Classification: Uncertain significance. Last evaluated: 2025-03-16. Review status: criteria provided, single submitter. Criteria: Invitae Variant Classification Sherloc (09022015). Collection method: clinical testing. Allele origin: germline.
Comment: This sequence change replaces leucine, which is neutral and non-polar, with phenylalanine, which is neutral and non-polar, at codon 494 of the ALPK3 protein (p.Leu494Phe). This variant is not present in population databases (gnomAD no frequency). This variant has not been reported in the literature in individuals affected with ALPK3-related conditions. ClinVar contains an entry for this variant (Variation ID: 1393538). An algorithm developed to predict the effect of missense changes on protein structure and function outputs the following: PolyPhen-2: "Possibly Damaging". The phenylalanine amino acid residue is found in multiple mammalian species, which suggests that this missense change does not adversely affect protein function. In summary, the available evidence is currently insufficient to determine the role of this variant in disease. Therefore, it has been classified as a Variant of Uncertain Significance.